The following is an entry in ClinVar:

ClinVar aggregate classification (germline): Benign/Likely benign. Review status: criteria provided, multiple submitters, no conflicts (2 of 4 stars). 4 submissions from 4 submitters: Benign (2); Likely benign (2). Last evaluated 2026-07-05.

Conditions:
CRX-related disorder. Also called: CRX-related condition.
Cone-rod dystrophy 2 (CORD2). Also called: CONE-ROD RETINAL DYSTROPHY; Cone-rod retinal dystrophy 2. Identifiers: Orphanet 1872, MedGen C3489532, MONDO:0007362, OMIM 120970.
Leber congenital amaurosis 7 (LCA7). Identifiers: Orphanet 65, MedGen C3151192, MONDO:0013449, OMIM 613829.
Retinal dystrophy. Also called: Inherited retinal dystrophy. Identifiers: Orphanet 71862, MedGen C0854723, MeSH D058499, MONDO:0019118, HP:0000556.

Allele frequency attached by ClinVar (database versions not stated): gnomAD 0.00004; gnomAD exomes 0.00005 and 0.00020; TOPMed 0.00008; ExAC 0.00014; 1000 Genomes Project 30x 0.00016; 1000 Genomes Project 0.00020.
gnomAD v4.1: 80 of 1,614,034 alleles (0.005%); highest among the groups gnomAD compares: East Asian, 0.16%; 1 homozygote.

Submissions (4):

PreventionGenetics, part of Exact Sciences
Classification: Likely benign for CRX-related condition. Last evaluated: 2026-07-05. Review status: criteria provided, single submitter. Criteria: ACMG Guidelines, 2015. Collection method: clinical testing. Allele origin: germline.
Comment: This variant is classified as likely benign based on ACMG/AMP sequence variant interpretation guidelines (Richards et al. 2015 PMID: 25741868, with internal and published modifications).

Labcorp Genetics (formerly Invitae), Labcorp
Classification: Benign for Cone-rod dystrophy 2; Leber congenital amaurosis 7. Last evaluated: 2025-06-23. Review status: criteria provided, single submitter. Criteria: Invitae Variant Classification Sherloc (09022015). Collection method: clinical testing. Allele origin: germline.

Blueprint Genetics
Classification: Likely benign. Last evaluated: 2023-12-11. Review status: criteria provided, single submitter. Criteria: ACMG Guidelines, 2015. Collection method: clinical testing. Allele origin: germline.

Dept Of Ophthalmology, Nagoya University
Classification: Benign for Retinal dystrophy. Last evaluated: 2023-10-01. Review status: criteria provided, single submitter. Criteria: Submitter's publication. Collection method: research. Allele origin: germline. Affected: yes.

NM_000554.6(CRX):c.645C>T (p.Phe215=)

Gene: CRX (cone-rod homeobox; plus strand). Cytogenetic location: 19q13.33.
Variant type: single nucleotide variant.
Coding change: c.645C>T on transcript NM_000554.6 (MANE Select); coding-DNA position 645, C replaced by T.
Protein change: p.Phe215=; no amino-acid change (phenylalanine 215 retained).
Molecular consequence: synonymous variant.
Genome position (GRCh38, 1-based): chr19:47,839,712, C>T. VCF-style: chr19-47839712-C-T. GRCh37 (hg19) VCF-style: chr19-48342969-C-T.
Other names: c.645C>T (NM_000554.5).
Identifiers: ClinVar variation 1595814 (VCV001595814.11), dbSNP rs191794330, ClinGen allele CA9544540.